The following is an entry in ClinVar:

NM_001009944.3(PKD1):c.6384C>G (p.Asn2128Lys)

Gene: PKD1 (polycystin 1, transient receptor potential channel interacting; minus strand). Cytogenetic location: 16p13.3.
Variant type: single nucleotide variant.
Coding change: c.6384C>G on transcript NM_001009944.3 (MANE Select); coding-DNA position 6384, C replaced by G.
Protein change: p.Asn2128Lys; replaces asparagine 2128 with lysine.
Molecular consequence: missense variant.
Genome position (GRCh38, 1-based): chr16:2,108,783, G>C on the plus strand (C>G on the coding strand, the complement: PKD1 is on the minus strand). VCF-style: chr16-2108783-G-C. GRCh37 (hg19) VCF-style: chr16-2158784-G-C.
Other names: c.6384C>G, p.Asn2128Lys (NM_000296.4); short protein forms N2128K.
Identifiers: ClinVar variation 1676237 (VCV001676237.4), dbSNP rs1247882278, ClinGen allele CA394373664.
Genomic context (GRCh38, chr16:2,108,783, plus strand): 5'-CTCCCGGCAGGCCAGCACCTGGACGGTCACCGTGGCCTGCGCCACGAAGAAGCTCACCAG[G>C]TTGGAGGCGTTCACCTGCACGCGGTAGTCCCCAGGCCTCAGGTAGGAGTGCTCGGCCCTG-3'
Protein context (NP_001009944.3, residues 2118-2138): GDYRVQVNAS[Asn2128Lys]LVSFFVAQAT

ClinVar aggregate classification (germline): Conflicting classifications of pathogenicity. Review status: criteria provided, conflicting classifications (1 of 4 stars). 3 submissions from 3 submitters: Likely pathogenic (1); Uncertain significance (2). Last evaluated 2024-05-14.

Conditions:
Polycystic kidney disease, adult type (PKD1). Also called: POLYCYSTIC KIDNEY DISEASE, ADULT, TYPE I; Polycystic Kidney, Autosomal Dominant; POLYCYSTIC KIDNEY DISEASE 1 WITH OR WITHOUT POLYCYSTIC LIVER DISEASE; Polycystic Kidney Disease 1, Autosomal Dominant; Polycystic kidney disease 1; Polycystic kidney disease 1, severe. Identifiers: MedGen C3149841, MONDO:0008263, OMIM 173900.

Submissions (3):

Fulgent Genetics
Classification: Likely pathogenic for Polycystic kidney disease, adult type. Last evaluated: 2024-05-14. Review status: criteria provided, single submitter. Criteria: ACMG Guidelines, 2015. Collection method: clinical testing. Allele origin: germline.

GeneDx
Classification: Uncertain significance. Last evaluated: 2024-02-15. Review status: criteria provided, single submitter. Criteria: GeneDx Variant Classification Process June 2021. Collection method: clinical testing. Allele origin: germline. Affected: yes.
Comment: Not observed at significant frequency in large population cohorts (gnomAD); In silico analysis supports that this missense variant has a deleterious effect on protein structure/function; Has not been previously published as pathogenic or benign to our knowledge

Molecular Genetics, Royal Melbourne Hospital
Classification: Uncertain significance for Polycystic kidney disease, adult type. Last evaluated: 2023-03-30. Review status: criteria provided, single submitter. Criteria: ACMG Guidelines, 2015. Collection method: clinical testing. Allele origin: germline. Affected: yes.
Comment: This sequence change in PKD1 is predicted to replace asparagine with lysine at codon 2128 (p.(Asn2128Lys)). The asparagine residue is evolutionarily conserved (100 vertebrates, UCSC), and is located in the PKD 17 domain. There is a moderate physicochemical difference between asparagine and lysine. This variant is absent from gnomAD v2.1 and v3.1. To our knowledge, this variant has not been reported in the literature or in relevant databases in any individuals with polycystic kidney disease. Multiple lines of computational evidence predict a deleterious effect for the missense substitution (5/6 algorithms). The same amino acid change (p.Asn2128Lys), resulting from a different nucleotide change c.6384C>A, has been reported in a single patient with ADPKD and as a somatic second hit in a kidney cyst (PMID: 25333066, 30042192). Based on the classification scheme RMH Modified ACMG Guidelines v1.4.0, this variant is classified as a VARIANT OF UNCERTAIN SIGNIFICANCE. Following criteria are met: PS4_Supporting, PM2_Supporting, PP3.

Literature cited by the submitters: PubMed 25333066 (cited by Molecular Genetics, Royal Melbourne Hospital); PubMed 30042192 (cited by Molecular Genetics, Royal Melbourne Hospital).